The following is an entry in ClinVar:

NM_005144.5(HR):c.970C>T (p.Arg324Trp)

Gene: HR (HR lysine demethylase and nuclear receptor corepressor; minus strand). Cytogenetic location: 8p21.3.
Variant type: single nucleotide variant.
Coding change: c.970C>T on transcript NM_005144.5 (MANE Select); coding-DNA position 970, C replaced by T.
Protein change: p.Arg324Trp; replaces arginine 324 with tryptophan.
Molecular consequence: missense variant.
Genome position (GRCh38, 1-based): chr8:22,127,472, G>A on the plus strand (C>T on the coding strand, the complement: HR is on the minus strand). VCF-style: chr8-22127472-G-A. GRCh37 (hg19) VCF-style: chr8-21984985-G-A.
Other names: c.970C>T, p.Arg324Trp (NM_018411.4); short protein forms R324W.
Identifiers: ClinVar variation 362526 (VCV000362526.14), dbSNP rs143170974, ClinGen allele CA4662595.

ClinVar aggregate classification (germline): Conflicting classifications of pathogenicity. Review status: criteria provided, conflicting classifications (1 of 4 stars). 4 submissions from 3 submitters: Uncertain significance (2); Benign (1). 1 of the submissions does not count toward it. Last evaluated 2025-12-14.

Conditions:
Atrichia with papular lesions (APL). Also called: PAPULAR ATRICHIA. Identifiers: Orphanet 86819, MedGen C1859592, MONDO:0008847, OMIM 209500.
Alopecia universalis congenita (ALUNC). Also called: ATRICHIA, GENERALIZED. Identifiers: Orphanet 701, MedGen C1859877, MONDO:0008757, OMIM 203655.
HR-related disorder. Also called: HR-related condition; HR-related disorders. Identifiers: MedGen CN239293.

Allele frequency attached by ClinVar (database versions not stated): 1000 Genomes Project 30x 0.00016; 1000 Genomes Project 0.00020; TOPMed 0.00093; ESP Exome Variant Server 0.00115; ExAC 0.00163; gnomAD 0.00233.
gnomAD v4.1: 2,318 of 1,610,980 alleles (0.14%); highest among the groups gnomAD compares: Non-Finnish European, 0.14%; 8 homozygotes.

Submissions (4):

Labcorp Genetics (formerly Invitae), Labcorp
Classification: Benign. Last evaluated: 2025-12-14. Review status: criteria provided, single submitter. Criteria: Invitae Variant Classification Sherloc (09022015). Collection method: clinical testing. Allele origin: germline.

Illumina Laboratory Services, Illumina
Classification: Uncertain significance for Alopecia universalis congenita. Last evaluated: 2018-01-13. Review status: criteria provided, single submitter. Criteria: ICSL Variant Classification Criteria 13 December 2019. Collection method: clinical testing. Allele origin: germline.

Illumina Laboratory Services, Illumina
Classification: Uncertain significance for Atrichia with papular lesions. Last evaluated: 2018-01-13. Review status: criteria provided, single submitter. Criteria: ICSL Variant Classification Criteria 13 December 2019. Collection method: clinical testing. Allele origin: germline.

PreventionGenetics, part of Exact Sciences
Classification: Benign for HR-related condition. Last evaluated: 2020-01-02. Review status: no assertion criteria provided. Collection method: clinical testing. Allele origin: germline. Not counted in ClinVar's aggregate classification.
Comment: This variant is classified as benign based on ACMG/AMP sequence variant interpretation guidelines (Richards et al. 2015 PMID: 25741868, with internal and published modifications).